The following is an entry in ClinVar:

ClinVar aggregate classification (germline): Pathogenic. Review status: criteria provided, multiple submitters, no conflicts (2 of 4 stars). 2 submissions from 2 submitters: Pathogenic (2). Last evaluated 2024-03-26.

Conditions:
Methylmalonic aciduria due to methylmalonyl-CoA mutase deficiency (MAMM). Also called: Methylmalonic aciduria, mut type. Identifiers: Orphanet 27, MedGen C1855114, MONDO:0009612, OMIM 251000.

Submissions (2):

Genomic Medicine Center of Excellence, King Faisal Specialist Hospital and Research Centre
Classification: Pathogenic for Methylmalonic aciduria due to methylmalonyl-CoA mutase deficiency. Last evaluated: 2024-03-26. Review status: criteria provided, single submitter. Criteria: ACMG Guidelines, 2015. Collection method: clinical testing. Allele origin: germline.

Labcorp Genetics (formerly Invitae), Labcorp
Classification: Pathogenic. Last evaluated: 2020-09-18. Review status: criteria provided, single submitter. Criteria: Invitae Variant Classification Sherloc (09022015). Collection method: clinical testing. Allele origin: germline.
Comment: For these reasons, this variant has been classified as Pathogenic. Loss-of-function variants in MUT are known to be pathogenic (PMID: 15781192). This variant has been observed in an individual with methylmalonic aciduria (PMID: 30022420). ClinVar contains an entry for this variant (Variation ID: 965741). This variant is not present in population databases (ExAC no frequency). This sequence change creates a premature translational stop signal (p.Ala271Leufs*11) in the MUT gene. It is expected to result in an absent or disrupted protein product.

Literature cited by the submitters: PubMed 15781192 (cited by Labcorp Genetics (formerly Invitae), Labcorp); PubMed 30022420 (cited by Labcorp Genetics (formerly Invitae), Labcorp).

NM_000255.4(MMUT):c.811del (p.Ala271fs)

Gene: MMUT (methylmalonyl-CoA mutase; minus strand). Cytogenetic location: 6p12.3.
Variant type: Deletion.
Coding change: c.811del on transcript NM_000255.4 (MANE Select); coding-DNA position 811, one base deleted (G; older notation c.811delG).
Protein change: p.Ala271fs; shifts the reading frame from alanine 271.
Molecular consequence: frameshift variant.
Genome position (GRCh38, 1-based): chr6:49,456,180, C deleted on the plus strand (G on the coding strand, the reverse complement: MMUT is on the minus strand); the first of 4 consecutive C bases (chr6:49,456,180-49,456,183); deleting any one gives the same sequence. VCF-style (leftmost placement, unchanged base first): chr6-49456179-GC-G. GRCh37 (hg19) VCF-style: chr6-49423892-GC-G.
Other names: short protein forms A271fs.
Identifiers: ClinVar variation 965741 (VCV000965741.12), dbSNP rs764189353, ClinGen allele CA1139659599.